The following is an entry in ClinVar:

ClinVar aggregate classification (germline): Likely benign. Review status: criteria provided, multiple submitters, no conflicts (2 of 4 stars). 2 submissions from 2 submitters: Likely benign (2). Last evaluated 2024-07-24.

Conditions:
ALG6-congenital disorder of glycosylation 1C (CDG1C). Also called: CDG Ic; CARBOHYDRATE-DEFICIENT GLYCOPROTEIN SYNDROME, TYPE I, WITH DEFICIENT GLYCOSYLATION OF DOLICHOL-LINKED OLIGOSACCHARIDE; CARBOHYDRATE-DEFICIENT GLYCOPROTEIN SYNDROME, TYPE V; Congenital disorder of glycosylation type 1C; Congenital disorder of glycosylation, type Ic. Identifiers: Orphanet 79320, MedGen C2930997, MONDO:0011291, OMIM 603147.

Allele frequency attached by ClinVar (database versions not stated): gnomAD 0.00001.

Submissions (2):

Labcorp Genetics (formerly Invitae), Labcorp
Classification: Likely benign for ALG6-congenital disorder of glycosylation 1C. Last evaluated: 2024-07-24. Review status: criteria provided, single submitter. Criteria: Invitae Variant Classification Sherloc (09022015). Collection method: clinical testing. Allele origin: germline.

GeneDx
Classification: Likely benign. Last evaluated: 2017-10-19. Review status: criteria provided, single submitter. Criteria: GeneDx Variant Classification (06012015). Collection method: clinical testing. Allele origin: germline. Affected: yes.
Comment: This variant is considered likely benign or benign based on one or more of the following criteria: it is a conservative change, it occurs at a poorly conserved position in the protein, it is predicted to be benign by multiple in silico algorithms, and/or has population frequency not consistent with disease.

NM_013339.4(ALG6):c.258-15T>C

Gene: ALG6 (ALG6 alpha-1,3-glucosyltransferase; plus strand). Cytogenetic location: 1p31.3.
Variant type: single nucleotide variant.
Coding change: c.258-15T>C on transcript NM_013339.4 (MANE Select); 15 bases into the intron before coding-DNA position 258, T replaced by C.
Molecular consequence: intron variant.
Genome position (GRCh38, 1-based): chr1:63,404,438, T>C. VCF-style: chr1-63404438-T-C. GRCh37 (hg19) VCF-style: chr1-63870109-T-C.
Other names: c.258-15T>C (LRG_1260t1).
Identifiers: ClinVar variation 512556 (VCV000512556.4), dbSNP rs1427230309, ClinGen allele CA658795473.